The following is an entry in ClinVar:

NM_000532.5(PCCB):c.1586G>A (p.Arg529His)

Gene: PCCB (propionyl-CoA carboxylase subunit beta; plus strand). Cytogenetic location: 3q22.3.
Variant type: single nucleotide variant.
Coding change: c.1586G>A on transcript NM_000532.5 (MANE Select); coding-DNA position 1586, G replaced by A.
Protein change: p.Arg529His; replaces arginine 529 with histidine.
Molecular consequence: missense variant.
Genome position (GRCh38, 1-based): chr3:136,329,992, G>A. VCF-style: chr3-136329992-G-A. GRCh37 (hg19) VCF-style: chr3-136048834-G-A.
Other names: c.1586G>A (NM_000532.4); c.1646G>A, p.Arg549His (NM_001178014.2); short protein forms R529H, R549H.
Identifiers: ClinVar variation 2172052 (VCV002172052.2), dbSNP rs1334694771, ClinGen allele CA354650249.
Genomic context (GRCh38, chr3:136,329,992, plus strand): 5'-CTTCCACACGTGCCCGAATCTGCTGTGACCTGGATGTCTTGGCCAGCAAGAAGGTACAAC[G>A]TCCTTGGAGAAAACATGCAAATATTCCATTGTAAACAAATCAAAGGAAAAGAAACCAAGA-3'
Protein context (NP_000523.2, residues 519-539): LDVLASKKVQ[Arg529His]PWRKHANIPL

ClinVar aggregate classification (germline): Uncertain significance. Review status: criteria provided, multiple submitters, no conflicts (2 of 4 stars). 2 submissions from 2 submitters: Uncertain significance (2). Last evaluated 2025-02-20.

Conditions:
Propionic acidemia (PROP). Also called: GLYCINEMIA, KETOTIC; HYPERGLYCINEMIA WITH KETOACIDOSIS AND LEUKOPENIA; KETOTIC HYPERGLYCINEMIA. Identifiers: Orphanet 35, MedGen C0268579, MONDO:0011628, OMIM 606054, HP:0003571.
Inborn genetic diseases. Identifiers: MedGen C0950123, MeSH D030342.

Allele frequency attached by ClinVar (database versions not stated): gnomAD 0.00001; gnomAD exomes 0.00001.
gnomAD v4.1: 16 of 1,613,998 alleles (0.00099%); highest among the groups gnomAD compares: East Asian, 0.0067%; no homozygotes.

Submissions (2):

Ambry Genetics
Classification: Uncertain significance for Inborn genetic diseases. Last evaluated: 2025-02-20. Review status: criteria provided, single submitter. Criteria: Ambry Variant Classification Scheme 2023. Collection method: clinical testing. Allele origin: germline.

Labcorp Genetics (formerly Invitae), Labcorp
Classification: Uncertain significance for Propionic acidemia. Last evaluated: 2022-06-16. Review status: criteria provided, single submitter. Criteria: Invitae Variant Classification Sherloc (09022015). Collection method: clinical testing. Allele origin: germline.
Comment: This sequence change replaces arginine, which is basic and polar, with histidine, which is basic and polar, at codon 529 of the PCCB protein (p.Arg529His). This variant is present in population databases (no rsID available, gnomAD 0.02%). This variant has not been reported in the literature in individuals affected with PCCB-related conditions. Advanced modeling of protein sequence and biophysical properties (such as structural, functional, and spatial information, amino acid conservation, physicochemical variation, residue mobility, and thermodynamic stability) performed at Invitae indicates that this missense variant is not expected to disrupt PCCB protein function. In summary, the available evidence is currently insufficient to determine the role of this variant in disease. Therefore, it has been classified as a Variant of Uncertain Significance.